The following is an entry in ClinVar:

NM_002528.7(NTHL1):c.130C>T (p.His44Tyr)

Gene: NTHL1 (nth like DNA glycosylase 1; minus strand). Cytogenetic location: 16p13.3.
Variant type: single nucleotide variant.
Coding change: c.130C>T on transcript NM_002528.7 (MANE Select); coding-DNA position 130, C replaced by T.
Protein change: p.His44Tyr; replaces histidine 44 with tyrosine.
Molecular consequence: missense variant. On other transcripts: 5 prime UTR variant (1).
Genome position (GRCh38, 1-based): chr16:2,046,352, G>A on the plus strand (C>T on the coding strand, the complement: NTHL1 is on the minus strand). VCF-style: chr16-2046352-G-A. GRCh37 (hg19) VCF-style: chr16-2096353-G-A.
Other names: c.154C>T (NM_002528.5); c.130C>T, p.His44Tyr (NM_001318193.2); c.-49C>T (NM_001318194.2); short protein forms H44Y.
Identifiers: ClinVar variation 1040487 (VCV001040487.8), dbSNP rs374988261, ClinGen allele CA394298050.

ClinVar aggregate classification (germline): Uncertain significance. Review status: criteria provided, multiple submitters, no conflicts (2 of 4 stars). 2 submissions from 2 submitters: Uncertain significance (2). Last evaluated 2025-05-13.

Conditions:
Hereditary cancer-predisposing syndrome. Also called: Hereditary Cancer Syndrome; Tumor predisposition; Hereditary neoplastic syndrome; Neoplastic Syndromes, Hereditary. Identifiers: Orphanet 140162, MedGen C0027672, MeSH D009386, MONDO:0015356.

Submissions (2):

Labcorp Genetics (formerly Invitae), Labcorp
Classification: Uncertain significance. Last evaluated: 2025-05-13. Review status: criteria provided, single submitter. Criteria: Invitae Variant Classification Sherloc (09022015). Collection method: clinical testing. Allele origin: germline.
Comment: This sequence change replaces histidine, which is basic and polar, with tyrosine, which is neutral and polar, at codon 52 of the NTHL1 protein (p.His52Tyr). This variant is not present in population databases (gnomAD no frequency). This variant has not been reported in the literature in individuals affected with NTHL1-related conditions. ClinVar contains an entry for this variant (Variation ID: 1040487). An algorithm developed to predict the effect of missense changes on protein structure and function outputs the following: PolyPhen-2: "Benign". The tyrosine amino acid residue is found in multiple mammalian species, which suggests that this missense change does not adversely affect protein function. In summary, the available evidence is currently insufficient to determine the role of this variant in disease. Therefore, it has been classified as a Variant of Uncertain Significance.

Ambry Genetics
Classification: Uncertain significance for Hereditary cancer-predisposing syndrome. Last evaluated: 2025-02-16. Review status: criteria provided, single submitter. Criteria: Ambry Variant Classification Scheme 2023. Collection method: clinical testing. Allele origin: germline.
Comment: The p.H52Y variant (also known as c.154C>T), located in coding exon 2 of the NTHL1 gene, results from a C to T substitution at nucleotide position 154. The histidine at codon 52 is replaced by tyrosine, an amino acid with similar properties. This amino acid position is conserved. In addition, this alteration is predicted to be tolerated by in silico analysis. Based on the available evidence, the clinical significance of this variant remains unclear.